The following is an entry in ClinVar:

NM_024675.4(PALB2):c.1286T>C (p.Ile429Thr)

Gene: PALB2 (partner and localizer of BRCA2; minus strand). Cytogenetic location: 16p12.2.
Variant type: single nucleotide variant.
Coding change: c.1286T>C on transcript NM_024675.4 (MANE Select); coding-DNA position 1286, T replaced by C.
Protein change: p.Ile429Thr; replaces isoleucine 429 with threonine.
Molecular consequence: missense variant.
Genome position (GRCh38, 1-based): chr16:23,635,260, A>G on the plus strand (T>C on the coding strand, the complement: PALB2 is on the minus strand). VCF-style: chr16-23635260-A-G. GRCh37 (hg19) VCF-style: chr16-23646581-A-G.
Other names: short protein forms I429T.
Identifiers: ClinVar variation 481105 (VCV000481105.6), dbSNP rs1555461359, ClinGen allele CA395132545.

ClinVar aggregate classification (germline): Uncertain significance (1 of 4 stars; one submission).

Conditions:
Hereditary cancer-predisposing syndrome. Also called: Hereditary Cancer Syndrome; Neoplastic Syndromes, Hereditary; Tumor predisposition; Hereditary neoplastic syndrome. Identifiers: Orphanet 140162, MedGen C0027672, MeSH D009386, MONDO:0015356.

Submission:

Ambry Genetics
Classification: Uncertain significance for Hereditary cancer-predisposing syndrome. Last evaluated: 2025-03-14. Review status: criteria provided, single submitter. Criteria: Ambry Variant Classification Scheme 2023. Collection method: clinical testing. Allele origin: germline.
Comment: The p.I429T variant (also known as c.1286T>C), located in coding exon 4 of the PALB2 gene, results from a T to C substitution at nucleotide position 1286. The isoleucine at codon 429 is replaced by threonine, an amino acid with similar properties. This variant was not reported in population based cohorts in the following databases: Database of Single Nucleotide Polymorphisms (dbSNP), NHLBI Exome Sequencing Project (ESP), and 1000 Genomes Project. In the ESP, this variant was not observed in 6494 samples (12988 alleles) with coverage at this position. To date, this alteration has been detected with an allele frequency of approximately 0.0004% (greater than 225000 alleles tested) in our clinical cohort. This amino acid position is highly conserved in available vertebrate species. In addition, the in silico prediction for this alteration is inconclusive. Since supporting evidence is limited at this time, the clinical significance of this alteration remains unclear.